The following is an entry in ClinVar:

ClinVar aggregate classification (germline): Uncertain significance (1 of 4 stars; one submission).

Allele frequency attached by ClinVar (database versions not stated): gnomAD 0.00001; gnomAD exomes 0.00002; ExAC 0.00005.
gnomAD v4.1: 24 of 1,611,252 alleles (0.0015%); highest among the groups gnomAD compares: South Asian, 0.0055%; no homozygotes.

Submission:

Labcorp Genetics (formerly Invitae), Labcorp
Classification: Uncertain significance. Last evaluated: 2022-06-15. Review status: criteria provided, single submitter. Criteria: Invitae Variant Classification Sherloc (09022015). Collection method: clinical testing. Allele origin: germline.
Comment: In summary, the available evidence is currently insufficient to determine the role of this variant in disease. Therefore, it has been classified as a Variant of Uncertain Significance. Algorithms developed to predict the effect of missense changes on protein structure and function are either unavailable or do not agree on the potential impact of this missense change (SIFT: "Tolerated"; PolyPhen-2: "Probably Damaging"; Align-GVGD: "Class C0"). This variant has not been reported in the literature in individuals affected with TUBGCP6-related conditions. This variant is present in population databases (rs770190261, gnomAD 0.01%). This sequence change replaces alanine, which is neutral and non-polar, with threonine, which is neutral and polar, at codon 1113 of the TUBGCP6 protein (p.Ala1113Thr).

NM_020461.4(TUBGCP6):c.3337G>A (p.Ala1113Thr)

Gene: TUBGCP6 (tubulin gamma complex component 6; minus strand). Cytogenetic location: 22q13.33.
Variant type: single nucleotide variant.
Coding change: c.3337G>A on transcript NM_020461.4 (MANE Select); coding-DNA position 3337, G replaced by A.
Protein change: p.Ala1113Thr; replaces alanine 1113 with threonine.
Molecular consequence: missense variant.
Genome position (GRCh38, 1-based): chr22:50,221,022, C>T on the plus strand (G>A on the coding strand, the complement: TUBGCP6 is on the minus strand). VCF-style: chr22-50221022-C-T. GRCh37 (hg19) VCF-style: chr22-50659451-C-T.
Other names: short protein forms A1113T.
Identifiers: ClinVar variation 1904688 (VCV001904688.4), dbSNP rs770190261, ClinGen allele CA10307975.